The following is an entry in ClinVar:

NM_021167.5(GATAD1):c.424A>G (p.Ile142Val)

Gene: GATAD1 (GATA zinc finger domain containing 1; plus strand). Cytogenetic location: 7q21.2.
Variant type: single nucleotide variant.
Coding change: c.424A>G on transcript NM_021167.5 (MANE Select); coding-DNA position 424, A replaced by G.
Protein change: p.Ile142Val; replaces isoleucine 142 with valine.
Molecular consequence: missense variant. On other transcripts: non-coding transcript variant (1).
Genome position (GRCh38, 1-based): chr7:92,450,749, A>G. VCF-style: chr7-92450749-A-G. GRCh37 (hg19) VCF-style: chr7-92080063-A-G.
Other names: short protein forms I142V.
Identifiers: ClinVar variation 1739060 (VCV001739060.8), dbSNP rs779817755, ClinGen allele CA4340281.
Genomic context (GRCh38, chr7:92,450,749, plus strand): 5'-GTATTTTCATAGCCCATCAAAGCTCCTGAGTCAGTTTCCACTATAATCACTGCAGAATCA[A>G]TCTTCTACAAGGTAAGCTTTTGTAGAGTTACTGAAGGAAGAGTTGGGCCTAGTGGGTAAT-3'
Protein context (NP_066990.3, residues 132-152): SVSTIITAES[Ile142Val]FYKGVYYQIG

ClinVar aggregate classification (germline): Uncertain significance. Review status: criteria provided, multiple submitters, no conflicts (2 of 4 stars). 2 submissions from 2 submitters: Uncertain significance (2). Last evaluated 2025-08-23.

Conditions:
Cardiovascular phenotype. Identifiers: MedGen CN230736.
Dilated cardiomyopathy 2B. Identifiers: Orphanet 154, MedGen C3553409, MONDO:0013848, OMIM 614672.

Allele frequency attached by ClinVar (database versions not stated): gnomAD 0.00001; TOPMed 0.00001; ExAC 0.00002; gnomAD exomes 0.00002.
gnomAD v4.1: 31 of 1,603,874 alleles (0.0019%); highest among the groups gnomAD compares: Admixed American, 0.0067%; no homozygotes.

Submissions (2):

Ambry Genetics
Classification: Uncertain significance for Cardiovascular phenotype. Last evaluated: 2025-08-23. Review status: criteria provided, single submitter. Criteria: Ambry Variant Classification Scheme 2023. Collection method: clinical testing. Allele origin: germline.

Labcorp Genetics (formerly Invitae), Labcorp
Classification: Uncertain significance for Dilated cardiomyopathy 2B. Last evaluated: 2022-04-12. Review status: criteria provided, single submitter. Criteria: Invitae Variant Classification Sherloc (09022015). Collection method: clinical testing. Allele origin: germline.
Comment: In summary, the available evidence is currently insufficient to determine the role of this variant in disease. Therefore, it has been classified as a Variant of Uncertain Significance. Algorithms developed to predict the effect of missense changes on protein structure and function (SIFT, PolyPhen-2, Align-GVGD) all suggest that this variant is likely to be tolerated. This variant has not been reported in the literature in individuals affected with GATAD1-related conditions. This variant is present in population databases (rs779817755, gnomAD 0.01%). This sequence change replaces isoleucine, which is neutral and non-polar, with valine, which is neutral and non-polar, at codon 142 of the GATAD1 protein (p.Ile142Val).